The following is an entry in ClinVar:

GRCh37/hg19 5p15.31-15.1(chr5:9002950-15174932)x1

Genes: CMBL (carboxymethylenebutenolidase homolog; minus strand), ANKH (ANKH inorganic pyrophosphate transport regulator; minus strand), ANKRD33B (ankyrin repeat domain 33B; plus strand), ATPSCKMT (ATP synthase c subunit lysine N-methyltransferase; minus strand), CCT5 (chaperonin containing TCP1 subunit 5; plus strand) and 12 more. Cytogenetic location: 5p15.31-15.1.
Variant type: copy number loss.
Change: copy number 1 (one copy instead of two) of chr5:9,002,950-15,174,932 (6.17 Mb, GRCh37 coordinates, 1-based), cytogenetic band 5p15.31-15.1.
Identifiers: ClinVar variation 2685147 (VCV002685147.1).

ClinVar aggregate classification (germline): Pathogenic (1 of 4 stars; one submission).

Submission:

Quest Diagnostics Nichols Institute San Juan Capistrano
Classification: Pathogenic. Last evaluated: 2022-10-18. Review status: criteria provided, single submitter. Criteria: ACMG/ClinGen CNV Guidelines, 2019. Collection method: clinical testing. Allele origin: unknown.
Comment: This deletion involves multiple protein-coding genes. This deletion partially overlaps the larger terminal region of 5p15 associated with cri-du-chat syndrome (OMIM 123450, Nevado 2021, Medina 2000), and partial/whole gene deletions of CTNND2 have been reported in individuals with neurodevelopmental disorders (Harvard 2005, Mainardi 2006, Girirajan 2013, Assadollahi 2014, Hofmeister 2015, Turner 2015, Belcaro 2015, Nguyen 2015, Miller 2020). Hemizygous deletions of SEMA5A have also been identified in individuals with neurological phenotypes (Hoyer 2015, Nguyen 2015, Mosca-Boidron 2016). In addition, haploinsufficiency of TRIO has been associated with autosomal dominant intellectual developmental disorder-44 with microcephaly (MRD44; OMIM 617061). Copy number loss of this locus have not been reported in the general population in the Database of Genomic Variants (DGV). Thus, based on current medical literature and gene content, this copy number variant (CNV) is classified as pathogenic. References: Asadollahi et al., J Med Genet. 2014 Oct;51(10):677-88. PMID: 25106414. Belcaro et al., Gene. 2015 Jul 1;565(1):146-9. PMID: 25839933. Girirajan et al., Am J Hum Genet. 2013 Feb 7;92(2):221-37. PMID: 23375656. Harvard et al., Clin Genet. 2005 Apr;67(4):341-51. PMID: 15733271. Hofmeister et al., J Med Genet. 2015 Feb;52(2):111-22. PMID: 25473103. Hoyer et al., Biomed Res Int. 2015;2015:960404. PMID: 25648254. Mainardi et al., Orphanet J Rare Dis. 2006 Sep 5;1:33. PMID: 16953888. Medina et al., Genomics. 2000 Jan 15;63(2):157-64. PMID: 10673328. Miller et al., Am J Med Genet A. 2020 Mar;182(3):543-547. PMID: 31814264. Mosca-Boidron et al., Eur J Hum Genet. 2016 Jun;24(6):838-43. PMID: 26395558. Nevado et al., Front Genet. 2021 Jul 30;12:645595. PMID: 34394178. Nguyen et al., Am J Med Genet C Semin Med Genet. 2015 Sep;169(3):224-38. PMID: 26235846. Turner et al., Nature. 2015 Apr 2;520(7545):51-6. PMID: 25807484.